The following is an entry in ClinVar:

NM_000531.6(OTC):c.1020_1028del (p.Leu341_Thr343del)

Gene: OTC (ornithine transcarbamylase; plus strand). Cytogenetic location: Xp11.4.
Variant type: Deletion.
Coding change: c.1020_1028del on transcript NM_000531.6 (MANE Select); coding-DNA positions 1020 to 1028, 9 bases deleted (CCTGCTGAC; older notation c.1020_1028delCCTGCTGAC).
Protein change: p.Leu341_Thr343del.
Molecular consequence: inframe deletion.
Genome position (GRCh38, 1-based): chrX:38,421,037-38,421,045, CCTGCTGAC deleted; deleting any 9 consecutive bases within chrX:38,421,036-38,421,045 gives the same sequence; the c. name uses the placement nearest the transcript's 3' end. VCF-style (leftmost placement, unchanged base first): chrX-38421035-TCCCTGCTGA-T. GRCh37 (hg19) VCF-style: chrX-38280288-TCCCTGCTGA-T.
Other names: NM_000531.6(OTC):c.1020_1028del; p.Leu341_Thr343del.
Identifiers: ClinVar variation 1038367 (VCV001038367.14), dbSNP rs2068592611, ClinGen allele CA2424888111.

ClinVar aggregate classification (germline): Uncertain significance. Review status: reviewed by expert panel (3 of 4 stars). 3 submissions from 3 submitters: Uncertain significance (1). 2 of the submissions do not count toward it. Last evaluated 2026-06-11.

Conditions:
Ornithine carbamoyltransferase deficiency (OTCD). Also called: OTC DEFICIENCY; Ornithine Carbamoyltransferase Deficiency Disease; ORNITHINE TRANSCARBAMYLASE DEFICIENCY; ORNITHINE TRANSCARBAMYLASE DEFICIENCY, HYPERAMMONEMIA DUE TO. Identifiers: Orphanet 664, MedGen C0268542, MONDO:0010703, OMIM 311250.

Submissions (3):

Clingen Urea Cycle Disorders Variant Curation Expert Panel, ClinGen
Classification: Uncertain significance for Ornithine carbamoyltransferase deficiency. Last evaluated: 2026-06-11. Review status: reviewed by expert panel. Criteria: ClinGen UreaCycles ACMG Specifications OTC V1.0. Collection method: curation. Allele origin: germline. Inheritance: X-linked inheritance.
Comment: The NM_000531.6:c.1020_1028del variant in OTC is predicted to cause a change in the length of the protein due to an in-frame deletion of 3 amino acids in a non-repeat region (p.Leu341_Thr343del) (PM4). To our knowledge, this variant has not been reported in the literature, and results of functional studies are unavailable. This variant is absent in gnomAD v4.1.0 (PM2_Supporting). In summary, this variant meets the criteria to be classified as a variant of uncertain significance for OTC deficiency based on the ACMG/AMP criteria applied, as specified by the ClinGen Urea Cycle Disorders Variant Curation Expert Panel (OTC specifications version 1.0.0): PM4, PM2_Supporting.

Labcorp Genetics (formerly Invitae), Labcorp
Classification: Pathogenic for Ornithine carbamoyltransferase deficiency. Last evaluated: 2023-07-17. Review status: criteria provided, single submitter. Criteria: Invitae Variant Classification Sherloc (09022015). Collection method: clinical testing. Allele origin: germline. Not counted in ClinVar's aggregate classification.
Comment: For these reasons, this variant has been classified as Pathogenic. This variant disrupts a region of the OTC protein in which other variant(s) (p.Thr343Arg) have been determined to be pathogenic (PMID: 25433810; Invitae). This suggests that this is a clinically significant region of the protein, and that variants that disrupt it are likely to be disease-causing. ClinVar contains an entry for this variant (Variation ID: 1038367). This variant has been observed in individual(s) with hyperammonemia (Invitae). This variant is not present in population databases (gnomAD no frequency). This variant, c.1020_1028del, results in the deletion of 3 amino acid(s) of the OTC protein (p.Leu341_Thr343del), but otherwise preserves the integrity of the reading frame.

Natera, Inc.
Classification: Uncertain significance for Ornithine transcarbamylase deficiency. Last evaluated: 2020-07-24. Review status: no assertion criteria provided. Collection method: clinical testing. Allele origin: germline. Not counted in ClinVar's aggregate classification.

Literature cited by the submitters: PubMed 25433810 (cited by Labcorp Genetics (formerly Invitae), Labcorp).